The following is an entry in ClinVar:

NM_173630.4(RTTN):c.2059A>G (p.Asn687Asp)

Gene: RTTN (rotatin; minus strand). Cytogenetic location: 18q22.2.
Variant type: single nucleotide variant.
Coding change: c.2059A>G on transcript NM_173630.4 (MANE Select); coding-DNA position 2059, A replaced by G.
Protein change: p.Asn687Asp; replaces asparagine 687 with aspartic acid.
Molecular consequence: missense variant. On other transcripts: 5 prime UTR variant (1).
Genome position (GRCh38, 1-based): chr18:70,150,084, T>C on the plus strand (A>G on the coding strand, the complement: RTTN is on the minus strand). VCF-style: chr18-70150084-T-C. GRCh37 (hg19) VCF-style: chr18-67817320-T-C.
Other names: c.-589A>G (NM_001318520.2); short protein forms N687D.
Identifiers: ClinVar variation 2193130 (VCV002193130.3), dbSNP rs1380586407, ClinGen allele CA402696362.

ClinVar aggregate classification (germline): Uncertain significance (1 of 4 stars; one submission).

Allele frequency attached by ClinVar (database versions not stated): gnomAD exomes below 0.00001.
gnomAD v4.1: 5 of 1,603,262 alleles (0.00031%); highest among the groups gnomAD compares: Admixed American, 0.0084%; no homozygotes.

Submission:

Labcorp Genetics (formerly Invitae), Labcorp
Classification: Uncertain significance. Last evaluated: 2022-07-26. Review status: criteria provided, single submitter. Criteria: Invitae Variant Classification Sherloc (09022015). Collection method: clinical testing. Allele origin: germline.
Comment: In summary, the available evidence is currently insufficient to determine the role of this variant in disease. Therefore, it has been classified as a Variant of Uncertain Significance. Algorithms developed to predict the effect of missense changes on protein structure and function (SIFT, PolyPhen-2, Align-GVGD) all suggest that this variant is likely to be tolerated. This variant has not been reported in the literature in individuals affected with RTTN-related conditions. This variant is present in population databases (no rsID available, gnomAD 0.01%). This sequence change replaces asparagine, which is neutral and polar, with aspartic acid, which is acidic and polar, at codon 687 of the RTTN protein (p.Asn687Asp).